The following is an entry in ClinVar:

NM_004963.4(GUCY2C):c.2127C>A (p.Phe709Leu)

Gene: GUCY2C (guanylate cyclase 2C; minus strand). Cytogenetic location: 12p12.3.
Variant type: single nucleotide variant.
Coding change: c.2127C>A on transcript NM_004963.4 (MANE Select); coding-DNA position 2127, C replaced by A.
Protein change: p.Phe709Leu; replaces phenylalanine 709 with leucine.
Molecular consequence: missense variant.
Genome position (GRCh38, 1-based): chr12:14,639,892, G>T on the plus strand (C>A on the coding strand, the complement: GUCY2C is on the minus strand). VCF-style: chr12-14639892-G-T. GRCh37 (hg19) VCF-style: chr12-14792826-G-T.
Other names: short protein forms F709L.
Identifiers: ClinVar variation 1481474 (VCV001481474.8), dbSNP rs1947357694, ClinGen allele CA383983644.

ClinVar aggregate classification (germline): Uncertain significance (1 of 4 stars; one submission).

Allele frequency attached by ClinVar (database versions not stated): gnomAD 0.00001.
gnomAD v4.1: 4 of 1,609,814 alleles (0.00025%); highest among the groups gnomAD compares: East Asian, 0.0045%; no homozygotes.

Submission:

Labcorp Genetics (formerly Invitae), Labcorp
Classification: Uncertain significance. Last evaluated: 2023-03-20. Review status: criteria provided, single submitter. Criteria: Invitae Variant Classification Sherloc (09022015). Collection method: clinical testing. Allele origin: germline.
Comment: In summary, the available evidence is currently insufficient to determine the role of this variant in disease. Therefore, it has been classified as a Variant of Uncertain Significance. Advanced modeling of protein sequence and biophysical properties (such as structural, functional, and spatial information, amino acid conservation, physicochemical variation, residue mobility, and thermodynamic stability) performed at Invitae indicates that this missense variant is not expected to disrupt GUCY2C protein function. ClinVar contains an entry for this variant (Variation ID: 1481474). This variant has not been reported in the literature in individuals affected with GUCY2C-related conditions. This variant is not present in population databases (gnomAD no frequency). This sequence change replaces phenylalanine, which is neutral and non-polar, with leucine, which is neutral and non-polar, at codon 709 of the GUCY2C protein (p.Phe709Leu).